The following is an entry in ClinVar:

ClinVar aggregate classification (germline): Uncertain significance (1 of 4 stars; one submission).

gnomAD v4.1: 38 of 1,574,214 alleles (0.0024%); highest among the groups gnomAD compares: South Asian, 0.036%; no homozygotes.

Submission:

Labcorp Genetics (formerly Invitae), Labcorp
Classification: Uncertain significance. Last evaluated: 2024-03-26. Review status: criteria provided, single submitter. Criteria: Invitae Variant Classification Sherloc (09022015). Collection method: clinical testing. Allele origin: germline.
Comment: This sequence change replaces aspartic acid, which is acidic and polar, with asparagine, which is neutral and polar, at codon 669 of the PLOD3 protein (p.Asp669Asn). This variant is present in population databases (rs771042939, gnomAD 0.03%). This variant has not been reported in the literature in individuals affected with PLOD3-related conditions. Advanced modeling of protein sequence and biophysical properties (such as structural, functional, and spatial information, amino acid conservation, physicochemical variation, residue mobility, and thermodynamic stability) performed at Invitae indicates that this missense variant is expected to disrupt PLOD3 protein function with a positive predictive value of 80%. In summary, the available evidence is currently insufficient to determine the role of this variant in disease. Therefore, it has been classified as a Variant of Uncertain Significance.

NM_001084.5(PLOD3):c.2005G>A (p.Asp669Asn)

Gene: PLOD3 (procollagen-lysine,2-oxoglutarate 5-dioxygenase 3; minus strand). Cytogenetic location: 7q22.1.
Variant type: single nucleotide variant.
Coding change: c.2005G>A on transcript NM_001084.5 (MANE Select); coding-DNA position 2005, G replaced by A.
Protein change: p.Asp669Asn; replaces aspartic acid 669 with asparagine.
Molecular consequence: missense variant.
Genome position (GRCh38, 1-based): chr7:101,206,835, C>T on the plus strand (G>A on the coding strand, the complement: PLOD3 is on the minus strand). VCF-style: chr7-101206835-C-T. GRCh37 (hg19) VCF-style: chr7-100850116-C-T.
Other names: short protein forms D669N.
Identifiers: ClinVar variation 3623079 (VCV003623079.1).